The following is an entry in ClinVar:

NM_006277.3(ITSN2):c.4254G>A (p.Ala1418=)

Gene: ITSN2 (intersectin 2; minus strand). Cytogenetic location: 2p23.3.
Variant type: single nucleotide variant.
Coding change: c.4254G>A on transcript NM_006277.3 (MANE Select); coding-DNA position 4254, G replaced by A.
Protein change: p.Ala1418=; no amino-acid change (alanine 1418 retained).
Molecular consequence: synonymous variant.
Genome position (GRCh38, 1-based): chr2:24,210,783, C>T on the plus strand (G>A on the coding strand, the complement: ITSN2 is on the minus strand). VCF-style: chr2-24210783-C-T. GRCh37 (hg19) VCF-style: chr2-24433652-C-T.
Other names: c.4212G>A, p.Ala1404= (NM_001348181.2); c.4134G>A, p.Ala1378= (NM_001348182.2); c.4173G>A, p.Ala1391= (NM_019595.4).
Identifiers: ClinVar variation 3061048 (VCV003061048.2), dbSNP rs779355070, ClinGen allele CA1550652.

ClinVar aggregate classification (germline): Likely benign (0 of 4 stars; one submission).

Conditions:
ITSN2-related disorder. Also called: ITSN2-related condition.

Allele frequency attached by ClinVar (database versions not stated): TOPMed below 0.00001; ExAC 0.00001; gnomAD exomes 0.00002.
gnomAD v4.1: 33 of 1,613,556 alleles (0.002%); highest among the groups gnomAD compares: East Asian, 0.0067%; no homozygotes.

Submission:

PreventionGenetics, part of Exact Sciences
Classification: Likely benign for ITSN2-related condition. Last evaluated: 2021-05-04. Review status: no assertion criteria provided. Collection method: clinical testing. Allele origin: germline.
Comment: This variant is classified as likely benign based on ACMG/AMP sequence variant interpretation guidelines (Richards et al. 2015 PMID: 25741868, with internal and published modifications).